The following is an entry in ClinVar:

NM_002180.3(IGHMBP2):c.1488C>T (p.Cys496=)

Gene: IGHMBP2 (immunoglobulin mu DNA binding protein 2; plus strand). Cytogenetic location: 11q13.3.
Variant type: single nucleotide variant.
Coding change: c.1488C>T on transcript NM_002180.3 (MANE Select); coding-DNA position 1488, C replaced by T.
Protein change: p.Cys496=; no amino-acid change (cysteine 496 retained).
Molecular consequence: synonymous variant.
Genome position (GRCh38, 1-based): chr11:68,933,864, C>T. VCF-style: chr11-68933864-C-T. GRCh37 (hg19) VCF-style: chr11-68701332-C-T.
Other names: c.1488C>T (NM_002180.2).
Identifiers: ClinVar variation 1666074 (VCV001666074.11), dbSNP rs145226920, ClinGen allele CA6153663.

ClinVar aggregate classification (germline): Likely benign. Review status: criteria provided, multiple submitters, no conflicts (2 of 4 stars). 3 submissions from 3 submitters: Likely benign (2). 1 of the submissions does not count toward it. Last evaluated 2025-09-30.

Conditions:
Charcot-Marie-Tooth disease axonal type 2S. Also called: CHARCOT-MARIE-TOOTH NEUROPATHY, TYPE 2S; CHARCOT-MARIE-TOOTH DISEASE, AXONAL, AUTOSOMAL RECESSIVE, TYPE 2S. Identifiers: Orphanet 443073, MedGen C4015349, MONDO:0014511, OMIM 616155.
Autosomal recessive distal spinal muscular atrophy 1. Also called: NEURONOPATHY, DISTAL HEREDITARY MOTOR, HARDING TYPE VI; NEUROPATHY, DISTAL HEREDITARY MOTOR, AUTOSOMAL RECESSIVE 1; HMN VI; SEVERE INFANTILE AXONAL NEUROPATHY WITH RESPIRATORY FAILURE; SPINAL MUSCULAR ATROPHY, DIAPHRAGMATIC; Spinal muscular atrophy with respiratory distress 1. Identifiers: Orphanet 98920, MedGen C1858517, MONDO:0011436, OMIM 604320.
IGHMBP2-related disorder. Also called: IGHMBP2-related condition; IGHMBP2-related disorders.

gnomAD v4.1: 78 of 1,606,176 alleles (0.0049%); highest among the groups gnomAD compares: Middle Eastern, 0.016%; no homozygotes.

Submissions (3):

Women's Health and Genetics/Laboratory Corporation of America, LabCorp
Classification: Likely benign. Last evaluated: 2025-09-30. Review status: criteria provided, single submitter. Criteria: LabCorp Variant Classification Summary - May 2015. Collection method: clinical testing. Allele origin: germline.

Labcorp Genetics (formerly Invitae), Labcorp
Classification: Likely benign for Autosomal recessive distal spinal muscular atrophy 1; Charcot-Marie-Tooth disease axonal type 2S. Last evaluated: 2024-03-20. Review status: criteria provided, single submitter. Criteria: Invitae Variant Classification Sherloc (09022015). Collection method: clinical testing. Allele origin: germline.

PreventionGenetics, part of Exact Sciences
Classification: Likely benign for IGHMBP2-related condition. Last evaluated: 2019-06-18. Review status: no assertion criteria provided. Collection method: clinical testing. Allele origin: germline. Not counted in ClinVar's aggregate classification.
Comment: This variant is classified as likely benign based on ACMG/AMP sequence variant interpretation guidelines (Richards et al. 2015 PMID: 25741868, with internal and published modifications).